The following is an entry in ClinVar:

NM_001346754.2(PIGW):c.439G>A (p.Val147Met)

Genes: MYO19 (myosin XIX; minus strand), PIGW (phosphatidylinositol glycan anchor biosynthesis class W; plus strand). Cytogenetic location: 17q12.
Variant type: single nucleotide variant.
Coding change: c.439G>A on transcript NM_001346754.2 (MANE Select); coding-DNA position 439, G replaced by A.
Protein change: p.Val147Met; replaces valine 147 with methionine.
Molecular consequence: missense variant.
Genome position (GRCh38, 1-based): chr17:36,537,540, G>A. VCF-style: chr17-36537540-G-A. GRCh37 (hg19) VCF-style: chr17-34893389-G-A.
Other names: c.439G>A, p.Val147Met (NM_001346755.2, NM_178517.5); short protein forms V147M.
Identifiers: ClinVar variation 2434854 (VCV002434854.4), dbSNP rs2510227023, ClinGen allele CA399162674.

ClinVar aggregate classification (germline): Uncertain significance. Review status: criteria provided, multiple submitters, no conflicts (2 of 4 stars). 2 submissions from 2 submitters: Uncertain significance (2). Last evaluated 2025-08-19.

Conditions:
Hyperphosphatasia with intellectual disability syndrome 5 (GPIBD11). Also called: GLYCOSYLPHOSPHATIDYLINOSITOL BIOSYNTHESIS DEFECT 11. Identifiers: Orphanet 247262, MedGen C4014958, MONDO:0014457, OMIM 616025.

Submissions (2):

3billion
Classification: Uncertain significance for Hyperphosphatasia with intellectual disability syndrome 5. Last evaluated: 2025-08-19. Review status: criteria provided, single submitter. Criteria: ACMG Guidelines, 2015. Collection method: clinical testing. Allele origin: germline. Affected: yes.
Comment: The variant is not observed in the gnomAD v4.1.0 dataset. Predicted Consequence/Location: Missense variant. Missense changes are a common disease-causing mechanism. In silico tool predictions suggest damaging effect of the variant on gene or gene product [REVEL: 0.88 (>=0.6, sensitivity 0.68 and specificity 0.92); 3Cnet: 0.97 (> 0.75, sensitivity 0.96 and precision 0.92)]. The variant has been reported as of uncertain significance (ClinVar ID: VCV002434854). Therefore, this variant is classified as VUS according to the recommendation of ACMG/AMP guideline.

Revvity Omics, Revvity
Classification: Uncertain significance for Hyperphosphatasia with intellectual disability syndrome 5. Last evaluated: 2021-08-20. Review status: criteria provided, single submitter. Criteria: ACMG Guidelines, 2015. Collection method: clinical testing. Allele origin: germline.